The following is an entry in ClinVar:

ClinVar aggregate classification (germline): Uncertain significance (1 of 4 stars; one submission).

Conditions:
Inborn genetic diseases. Identifiers: MedGen C0950123, MeSH D030342.

Submission:

Ambry Genetics
Classification: Uncertain significance for Inborn genetic diseases. Last evaluated: 2021-03-18. Review status: criteria provided, single submitter. Criteria: Ambry Variant Classification Scheme 2023. Collection method: clinical testing. Allele origin: germline.
Comment: The p.S347T variant (also known as c.1039T>A), located in coding exon 2 of the NEFH gene, results from a T to A substitution at nucleotide position 1039. The serine at codon 347 is replaced by threonine, an amino acid with similar properties. This amino acid position is not well conserved in available vertebrate species. In addition, this alteration is predicted to be tolerated by in silico analysis. Since supporting evidence is limited at this time, the clinical significance of this alteration remains unclear.

NM_021076.4(NEFH):c.1039T>A (p.Ser347Thr)

Gene: NEFH (neurofilament heavy chain; plus strand). Cytogenetic location: 22q12.2.
Variant type: single nucleotide variant.
Coding change: c.1039T>A on transcript NM_021076.4 (MANE Select); coding-DNA position 1039, T replaced by A.
Protein change: p.Ser347Thr; replaces serine 347 with threonine.
Molecular consequence: missense variant.
Genome position (GRCh38, 1-based): chr22:29,483,530, T>A. VCF-style: chr22-29483530-T-A. GRCh37 (hg19) VCF-style: chr22-29879519-T-A.
Other names: short protein forms S347T.
Identifiers: ClinVar variation 1773584 (VCV001773584.2), dbSNP rs763570054, ClinGen allele CA411125630.